The following is an entry in ClinVar:

ClinVar aggregate classification (germline): Uncertain significance (1 of 4 stars; one submission).

Allele frequency attached by ClinVar (database versions not stated): gnomAD exomes below 0.00001; TOPMed below 0.00001.
gnomAD v4.1: 2 of 1,604,438 alleles (0.00012%); highest among the groups gnomAD compares: African/African-American, 0.0027%; no homozygotes.

Submission:

Labcorp Genetics (formerly Invitae), Labcorp
Classification: Uncertain significance. Last evaluated: 2024-10-16. Review status: criteria provided, single submitter. Criteria: Invitae Variant Classification Sherloc (09022015). Collection method: clinical testing. Allele origin: germline.
Comment: This sequence change replaces asparagine, which is neutral and polar, with serine, which is neutral and polar, at codon 557 of the WHRN protein (p.Asn557Ser). The frequency data for this variant in the population databases is considered unreliable, as metrics indicate poor data quality at this position in the gnomAD database. This variant has not been reported in the literature in individuals affected with WHRN-related conditions. ClinVar contains an entry for this variant (Variation ID: 937160). An algorithm developed to predict the effect of missense changes on protein structure and function outputs the following: PolyPhen-2: "Benign". The serine amino acid residue is found in multiple mammalian species, which suggests that this missense change does not adversely affect protein function. In summary, the available evidence is currently insufficient to determine the role of this variant in disease. Therefore, it has been classified as a Variant of Uncertain Significance.

NM_015404.4(WHRN):c.1670A>G (p.Asn557Ser)

Gene: WHRN (whirlin; minus strand). Cytogenetic location: 9q32.
Variant type: single nucleotide variant.
Coding change: c.1670A>G on transcript NM_015404.4 (MANE Select); coding-DNA position 1670, A replaced by G.
Protein change: p.Asn557Ser; replaces asparagine 557 with serine.
Molecular consequence: missense variant.
Genome position (GRCh38, 1-based): chr9:114,407,975, T>C on the plus strand (A>G on the coding strand, the complement: WHRN is on the minus strand). VCF-style: chr9-114407975-T-C. GRCh37 (hg19) VCF-style: chr9-117170255-T-C.
Other names: c.521A>G, p.Asn174Ser (NM_001083885.3); c.1670A>G, p.Asn557Ser (NM_001173425.2); c.617A>G, p.Asn206Ser (NM_001346890.1); short protein forms N174S, N557S, N206S.
Identifiers: ClinVar variation 937160 (VCV000937160.9), dbSNP rs1402399400, ClinGen allele CA374621160.